The following is an entry in ClinVar:

ClinVar aggregate classification (germline): Likely benign (1 of 4 stars; one submission).

Allele frequency attached by ClinVar (database versions not stated): ExAC 0.00001; gnomAD 0.00002; TOPMed 0.00003.
gnomAD v4.1: 15 of 1,222,750 alleles (0.0012%); highest among the groups gnomAD compares: East Asian, 0.0093%; no homozygotes.

Submission:

CeGaT Center for Human Genetics Tuebingen
Classification: Likely benign. Last evaluated: 2022-05-01. Review status: criteria provided, single submitter. Criteria: CeGaT Center For Human Genetics Tuebingen Variant Classification Criteria Version 2. Collection method: clinical testing. Allele origin: germline. Affected: yes. Observed: 1 variant allele.
Comment: SLC1A2: BP4, BP7

NM_004171.4(SLC1A2):c.1653+24C>T

Gene: SLC1A2 (solute carrier family 1 member 2; minus strand). Cytogenetic location: 11p13.
Variant type: single nucleotide variant.
Coding change: c.1653+24C>T on transcript NM_004171.4 (MANE Select); 24 bases into the intron after coding-DNA position 1653, C replaced by T.
Molecular consequence: intron variant.
Genome position (GRCh38, 1-based): chr11:35,265,503, G>A on the plus strand (C>T on the coding strand, the complement: SLC1A2 is on the minus strand). VCF-style: chr11-35265503-G-A. GRCh37 (hg19) VCF-style: chr11-35287050-G-A.
Other names: c.1626+24C>T (NM_001195728.3, NM_001252652.2).
Identifiers: ClinVar variation 2641721 (VCV002641721.24), dbSNP rs746178091, ClinGen allele CA5947033.